The following is an entry in ClinVar:

ClinVar aggregate classification (germline): Uncertain significance. Review status: criteria provided, multiple submitters, no conflicts (2 of 4 stars). 2 submissions from 2 submitters: Uncertain significance (2). Last evaluated 2026-03-17.

Conditions:
Inborn genetic diseases. Identifiers: MedGen C0950123, MeSH D030342.
Mosaic variegated aneuploidy syndrome 1 (MVA1). Also called: Warburton-Anyane-Yeboa syndrome. Identifiers: Orphanet 1052, MedGen C1850343, MONDO:0009759, OMIM 257300.

Allele frequency attached by ClinVar (database versions not stated): gnomAD exomes below 0.00001.
gnomAD v4.1: 4 of 1,609,840 alleles (0.00025%); highest among the groups gnomAD compares: South Asian, 0.0022%; no homozygotes.

Submissions (2):

Ambry Genetics
Classification: Uncertain significance for Inborn genetic diseases. Last evaluated: 2026-03-17. Review status: criteria provided, single submitter. Criteria: Ambry Variant Classification Scheme 2023. Collection method: clinical testing. Allele origin: germline.
Comment: The p.Q467R variant (also known as c.1400A>G), located in coding exon 10 of the BUB1B gene, results from an A to G substitution at nucleotide position 1400. The glutamine at codon 467 is replaced by arginine, an amino acid with highly similar properties. This amino acid position is conserved. In addition, this alteration is predicted to be tolerated by in silico analysis. Based on the available evidence, the clinical significance of this variant remains unclear.

Labcorp Genetics (formerly Invitae), Labcorp
Classification: Uncertain significance for Mosaic variegated aneuploidy syndrome 1. Last evaluated: 2022-08-28. Review status: criteria provided, single submitter. Criteria: Invitae Variant Classification Sherloc (09022015). Collection method: clinical testing. Allele origin: germline.
Comment: Algorithms developed to predict the effect of sequence changes on RNA splicing suggest that this variant may create or strengthen a splice site. In summary, the available evidence is currently insufficient to determine the role of this variant in disease. Therefore, it has been classified as a Variant of Uncertain Significance. Algorithms developed to predict the effect of missense changes on protein structure and function (SIFT, PolyPhen-2, Align-GVGD) all suggest that this variant is likely to be tolerated. This variant has not been reported in the literature in individuals affected with BUB1B-related conditions. This variant is not present in population databases (gnomAD no frequency). This sequence change replaces glutamine, which is neutral and polar, with arginine, which is basic and polar, at codon 467 of the BUB1B protein (p.Gln467Arg).

NM_001211.6(BUB1B):c.1400A>G (p.Gln467Arg)

Gene: BUB1B (BUB1 mitotic checkpoint serine/threonine kinase B; plus strand). Cytogenetic location: 15q15.1.
Variant type: single nucleotide variant.
Coding change: c.1400A>G on transcript NM_001211.6 (MANE Select); coding-DNA position 1400, A replaced by G.
Protein change: p.Gln467Arg; replaces glutamine 467 with arginine.
Molecular consequence: missense variant.
Genome position (GRCh38, 1-based): chr15:40,199,726, A>G. VCF-style: chr15-40199726-A-G. GRCh37 (hg19) VCF-style: chr15-40491927-A-G.
Other names: short protein forms Q467R.
Identifiers: ClinVar variation 2144867 (VCV002144867.5), dbSNP rs2542555066, ClinGen allele CA391689323.